The following is an entry in ClinVar:

NM_001754.5(RUNX1):c.1322T>G (p.Leu441Arg)

Gene: RUNX1 (RUNX family transcription factor 1; minus strand). Cytogenetic location: 21q22.12.
Variant type: single nucleotide variant.
Coding change: c.1322T>G on transcript NM_001754.5 (MANE Select); coding-DNA position 1322, T replaced by G.
Protein change: p.Leu441Arg; replaces leucine 441 with arginine.
Molecular consequence: missense variant.
Genome position (GRCh38, 1-based): chr21:34,792,256, A>C on the plus strand (T>G on the coding strand, the complement: RUNX1 is on the minus strand). VCF-style: chr21-34792256-A-C. GRCh37 (hg19) VCF-style: chr21-36164553-A-C.
Other names: NM_001754.5(RUNX1):c.1322T>G; p.Leu441Arg; c.1241T>G, p.Leu414Arg (NM_001001890.3); c.1322T>G (NM_001754.4); short protein forms L441R, L414R.
Identifiers: ClinVar variation 1046278 (VCV001046278.11), dbSNP rs777551786, ClinGen allele CA410147373.

ClinVar aggregate classification (germline): Uncertain significance. Review status: reviewed by expert panel (3 of 4 stars). 5 submissions from 5 submitters: Uncertain significance (1). 4 of the submissions do not count toward it. Last evaluated 2024-09-30.

Conditions:
Hereditary thrombocytopenia and hematologic cancer predisposition syndrome. Identifiers: Orphanet 71290, MedGen CN281654, MONDO:0011071.
Acute myeloid leukemia (AML). Also called: Leukemia, acute myeloid, somatic; Leukemia, acute myelogenous, somatic; Acute myeloid leukemia, adult; AML adult; Acute non-lymphocytic leukemia; Acute granulocytic leukemia. Identifiers: Orphanet 519, MedGen C0023467, MeSH D015470, MONDO:0018874, OMIM 601626, HP:0004808. Disease mechanism: Constitutively activated FLT3.
Hereditary thrombocytopenia and hematological cancer predisposition syndrome associated with RUNX1. Also called: Familial Platelet Disorder with Propensity to Acute Myelogenous Leukemia; Familial thrombocytopenia with propensity to acute myelogenous leukemia; RUNX1 Familial Platelet Disorder with Associated Myeloid Malignancies; PLATELET DISORDER, ASPIRIN-LIKE. Identifiers: Orphanet 71290, MedGen C1832388, MeSH C563324, MONDO:0100083, OMIM 601399.
Inborn genetic diseases. Identifiers: MedGen C0950123, MeSH D030342.

Allele frequency attached by ClinVar (database versions not stated): gnomAD 0.00001; TOPMed 0.00001.
gnomAD v4.1: 6 of 1,537,338 alleles (0.00039%); highest among the groups gnomAD compares: Admixed American, 0.0078%; no homozygotes.

Submissions (5):

ClinGen Myeloid Malignancy Variant Curation Expert Panel
Classification: Uncertain significance for Hereditary thrombocytopenia and hematologic cancer predisposition syndrome. Last evaluated: 2024-09-30. Review status: reviewed by expert panel. Criteria: ClinGen MyeloMalig ACMG Specifications v2. Collection method: curation. Allele origin: germline. Inheritance: Autosomal dominant inheritance.
Comment: NM_001754.5(RUNX1):c.1322T>G (p.Leu441Arg) is a missense variant which has been reported in one proband meeting at least one of the RUNX1-phenotypic criteria (PS4_supporting; PMID: 34166225). In summary, the clinical significance of this variant is uncertain. ACMG/AMP criteria applied, as specified by the Myeloid Malignancy Variant Curation Expert Panel for RUNX1: PS4_supporting.

Ambry Genetics
Classification: Uncertain significance for Inborn genetic diseases. Last evaluated: 2025-12-08. Review status: criteria provided, single submitter. Criteria: Ambry Variant Classification Scheme 2023. Collection method: clinical testing. Allele origin: germline. Not counted in ClinVar's aggregate classification.
Comment: The p.L441R variant (also known as c.1322T>G), located in coding exon 8 of the RUNX1 gene, results from a T to G substitution at nucleotide position 1322. The leucine at codon 441 is replaced by arginine, an amino acid with dissimilar properties. This amino acid position is highly conserved in available vertebrate species. In addition, this alteration is predicted to be deleterious by in silico analysis. Based on the available evidence, the clinical significance of this variant remains unclear.

GeneDx
Classification: Uncertain significance. Last evaluated: 2025-06-25. Review status: criteria provided, single submitter. Criteria: GeneDx Variant Classification Process June 2021. Collection method: clinical testing. Allele origin: germline. Not counted in ClinVar's aggregate classification.
Comment: Not observed at significant frequency in large population cohorts (gnomAD); In silico analysis supports that this missense variant has a deleterious effect on protein structure/function; Identified in a patient with B-cell acute lymphoblastic leukemia (ALL) (PMID: 34166225); Functional studies showed the p.(L441R) variant does not significantly decrease in transactivation function in vitro (PMID: 34166225); This variant is associated with the following publications: (PMID: 34166225)

Labcorp Genetics (formerly Invitae), Labcorp
Classification: Uncertain significance for Hereditary thrombocytopenia and hematological cancer predisposition syndrome associated with RUNX1. Last evaluated: 2025-02-15. Review status: criteria provided, single submitter. Criteria: Invitae Variant Classification Sherloc (09022015). Collection method: clinical testing. Allele origin: germline. Not counted in ClinVar's aggregate classification.
Comment: This sequence change replaces leucine, which is neutral and non-polar, with arginine, which is basic and polar, at codon 441 of the RUNX1 protein (p.Leu441Arg). This variant is present in population databases (no rsID available, gnomAD 0.004%). This missense change has been observed in individual(s) with clinical features of RUNX1-related conditions (PMID: 34166225). ClinVar contains an entry for this variant (Variation ID: 1046278). Invitae Evidence Modeling of protein sequence and biophysical properties (such as structural, functional, and spatial information, amino acid conservation, physicochemical variation, residue mobility, and thermodynamic stability) has been performed for this missense variant. However, the output from this modeling did not meet the statistical confidence thresholds required to predict the impact of this variant on RUNX1 protein function. In summary, the available evidence is currently insufficient to determine the role of this variant in disease. Therefore, it has been classified as a Variant of Uncertain Significance.

Baylor Genetics
Classification: Uncertain significance for Acute myeloid leukemia. Last evaluated: 2024-02-23. Review status: criteria provided, single submitter. Criteria: ACMG Guidelines, 2015. Collection method: clinical testing. Allele origin: unknown. Not counted in ClinVar's aggregate classification.

Literature cited by the submitters: PubMed 34166225 (cited by Labcorp Genetics (formerly Invitae), Labcorp).